The following is an entry in ClinVar:

NM_020427.3(SLURP1):c.27del (p.Leu10fs)

Gene: SLURP1 (secreted LY6/PLAUR domain containing 1; minus strand). Cytogenetic location: 8q24.3.
Variant type: Deletion.
Coding change: c.27del on transcript NM_020427.3 (MANE Select); coding-DNA position 27, one base deleted (G; older notation c.27delG).
Protein change: p.Leu10fs; shifts the reading frame from leucine 10.
Molecular consequence: frameshift variant.
Genome position (GRCh38, 1-based): chr8:142,742,359, C deleted on the plus strand (G on the coding strand, the reverse complement: SLURP1 is on the minus strand). VCF-style (leftmost placement, unchanged base first): chr8-142742358-GC-G. GRCh37 (hg19) VCF-style: chr8-143823776-GC-G.
Other names: short protein forms L10fs.
Identifiers: ClinVar variation 4852002 (VCV004852002.1).
Genomic context (GRCh38, chr8:142,742,358, plus strand): 5'-AGGGTCCCCACCAGCCTGCGGCCCACTCACCACAGCCCATGCTCCAGGCTGCCACGAGCA[GC>G]AGCTGCACAGCCCAGCGAGAGGCCATTGCTCCGTGCTCAGAAGTGATGAGAGGTAGCCAG-3'

ClinVar aggregate classification (germline): Pathogenic (1 of 4 stars; one submission).

Submission:

Dasa
Classification: Pathogenic. Last evaluated: 2026-04-15. Review status: criteria provided, single submitter. Criteria: DASA Assertion Criteria. Collection method: clinical testing. Allele origin: germline.
Comment: NM_020427.3(SLURP1):c.27del (p.Leu10Cysfs*23) introduces a premature termination codon predicted to result in loss of normal protein function. Loss-of-function is an established mechanism of disease for this gene. This variant has been observed in affected individuals with related phenotype in a genotype context consistent with recessive disease. The variant is present at low frequency in population datasets. Based on the available data, this variant is classified as pathogenic.